The following is an entry in ClinVar:

NM_006059.4(LAMC3):c.874T>G (p.Cys292Gly)

Gene: LAMC3 (laminin subunit gamma 3; plus strand). Cytogenetic location: 9q34.12.
Variant type: single nucleotide variant.
Coding change: c.874T>G on transcript NM_006059.4 (MANE Select); coding-DNA position 874, T replaced by G.
Protein change: p.Cys292Gly; replaces cysteine 292 with glycine.
Molecular consequence: missense variant.
Genome position (GRCh38, 1-based): chr9:131,036,230, T>G. VCF-style: chr9-131036230-T-G. GRCh37 (hg19) VCF-style: chr9-133911617-T-G.
Other names: short protein forms C292G.
Identifiers: ClinVar variation 4721289 (VCV004721289.1).

ClinVar aggregate classification (germline): Uncertain significance (1 of 4 stars; one submission).

gnomAD v4.1: 1 of 1,613,060 alleles (0.000062%); highest among the groups gnomAD compares: African/African-American, 0.0013%; no homozygotes.

Submission:

Labcorp Genetics (formerly Invitae), Labcorp
Classification: Uncertain significance. Last evaluated: 2025-06-11. Review status: criteria provided, single submitter. Criteria: Invitae Variant Classification Sherloc (09022015). Collection method: clinical testing. Allele origin: germline.
Comment: This sequence change replaces cysteine, which is neutral and slightly polar, with glycine, which is neutral and non-polar, at codon 292 of the LAMC3 protein (p.Cys292Gly). This variant is not present in population databases (gnomAD no frequency). This variant has not been reported in the literature in individuals affected with LAMC3-related conditions. An algorithm developed to predict the effect of missense changes on protein structure and function (PolyPhen-2) suggests that this variant is likely to be disruptive. In summary, the available evidence is currently insufficient to determine the role of this variant in disease. Therefore, it has been classified as a Variant of Uncertain Significance.